The following is an entry in ClinVar:

ClinVar aggregate classification (germline): Uncertain significance. Review status: criteria provided, multiple submitters, no conflicts (2 of 4 stars). 3 submissions from 3 submitters: Uncertain significance (3). Last evaluated 2025-11-17.

Conditions:
Hereditary cancer-predisposing syndrome. Also called: Neoplastic Syndromes, Hereditary; Tumor predisposition; Hereditary Cancer Syndrome; Hereditary neoplastic syndrome. Identifiers: Orphanet 140162, MedGen C0027672, MeSH D009386, MONDO:0015356.
Gorlin syndrome. Also called: Nevoid Basal Cell Carcinoma Syndrome; Basal cell nevus syndrome. Identifiers: Orphanet 377, MedGen C0004779, MONDO:0007187.
PTCH1-related disorder. Also called: PTCH1-related disorders; PTCH1-related condition.

Allele frequency attached by ClinVar (database versions not stated): TOPMed 0.00002.
gnomAD v4.1: 3 of 1,613,370 alleles (0.00019%); highest among the groups gnomAD compares: Non-Finnish European, 0.00025%; no homozygotes.

Submissions (3):

Labcorp Genetics (formerly Invitae), Labcorp
Classification: Uncertain significance for Gorlin syndrome. Last evaluated: 2025-11-17. Review status: criteria provided, single submitter. Criteria: Invitae Variant Classification Sherloc (09022015). Collection method: clinical testing. Allele origin: germline.
Comment: This sequence change replaces proline, which is neutral and non-polar, with histidine, which is basic and polar, at codon 1306 of the PTCH1 protein (p.Pro1306His). This variant is not present in population databases (gnomAD no frequency). This variant has not been reported in the literature in individuals affected with PTCH1-related conditions. ClinVar contains an entry for this variant (Variation ID: 220343). Invitae Evidence Modeling of protein sequence and biophysical properties (such as structural, functional, and spatial information, amino acid conservation, physicochemical variation, residue mobility, and thermodynamic stability) indicates that this missense variant is not expected to disrupt PTCH1 protein function with a negative predictive value of 95%. In summary, the available evidence is currently insufficient to determine the role of this variant in disease. Therefore, it has been classified as a Variant of Uncertain Significance.

PreventionGenetics, part of Exact Sciences
Classification: Uncertain significance for PTCH1-related condition. Last evaluated: 2025-10-30. Review status: criteria provided, single submitter. Criteria: ACMG Guidelines, 2015. Collection method: clinical testing. Allele origin: germline.
Comment: The PTCH1 c.3917C>A variant is predicted to result in the amino acid substitution p.Pro1306His. To our knowledge, this variant has not been reported in the literature or in a large population database (gnomAD), indicating this variant is rare. It is interpreted as uncertain significance in ClinVar (Variation ID: 220343). At this time, the clinical significance of this variant is uncertain due to the absence of conclusive functional and genetic evidence.

Ambry Genetics
Classification: Uncertain significance for Hereditary cancer-predisposing syndrome. Last evaluated: 2024-11-26. Review status: criteria provided, single submitter. Criteria: Ambry Variant Classification Scheme 2023. Collection method: clinical testing. Allele origin: germline.
Comment: The p.P1306H variant (also known as c.3917C>A), located in coding exon 23 of the PTCH1 gene, results from a C to A substitution at nucleotide position 3917. The proline at codon 1306 is replaced by histidine, an amino acid with similar properties. This amino acid position is not well conserved in available vertebrate species. In addition, this alteration is predicted to be tolerated by in silico analysis. Based on the available evidence, the clinical significance of this variant remains unclear.

NM_000264.5(PTCH1):c.3917C>A (p.Pro1306His)

Gene: PTCH1 (patched 1; minus strand). Cytogenetic location: 9q22.32.
Variant type: single nucleotide variant.
Coding change: c.3917C>A on transcript NM_000264.5 (MANE Select); coding-DNA position 3917, C replaced by A.
Protein change: p.Pro1306His; replaces proline 1306 with histidine.
Molecular consequence: missense variant. On other transcripts: non-coding transcript variant (1).
Genome position (GRCh38, 1-based): chr9:95,447,339, G>T on the plus strand (C>A on the coding strand, the complement: PTCH1 is on the minus strand). VCF-style: chr9-95447339-G-T. GRCh37 (hg19) VCF-style: chr9-98209621-G-T.
Other names: c.3719C>A, p.Pro1240His (NM_001083602.3); c.3914C>A, p.Pro1305His (NM_001083603.3); c.3464C>A, p.Pro1155His (NM_001083604.3, NM_001083605.3, NM_001083606.3 and 1 more transcripts); c.3761C>A, p.Pro1254His (NM_001354918.2); short protein forms P1240H, P1306H, P1254H, P1155H, P1305H.
Identifiers: ClinVar variation 220343 (VCV000220343.11), dbSNP rs864622483, ClinGen allele CA350387.
Genomic context (GRCh38, chr9:95,447,339, plus strand): 5'-GAAATTTCAAAAGCGTCTCTGCGCGGTCTGTAGGGGGGTGGCCACAAGCCTTCTCTGGGG[G>T]GGTCCCTGCGGGGCTGCTGGCCTTGCCGTCCGGGAGGCAGGGACCCTGAGTCCAGGTGGG-3'
Protein context (NP_000255.2, residues 1296-1316): GRQGQQPRRD[Pro1306His]PREGLWPPPY